The following is an entry in ClinVar:

NM_003114.5(SPAG1):c.2720C>T (p.Thr907Ile)

Gene: SPAG1 (sperm associated antigen 1; plus strand). Cytogenetic location: 8q22.2.
Variant type: single nucleotide variant.
Coding change: c.2720C>T on transcript NM_003114.5 (MANE Select); coding-DNA position 2720, C replaced by T.
Protein change: p.Thr907Ile; replaces threonine 907 with isoleucine.
Molecular consequence: missense variant.
Genome position (GRCh38, 1-based): chr8:100,240,961, C>T. VCF-style: chr8-100240961-C-T. GRCh37 (hg19) VCF-style: chr8-101253189-C-T.
Other names: c.2720C>T, p.Thr907Ile (NM_001374321.1, NM_172218.3); short protein forms T907I.
Identifiers: ClinVar variation 3719254 (VCV003719254.2).
Genomic context (GRCh38, chr8:100,240,961, plus strand): 5'-CACTAATTAGCAAGGGCCAAAAGGAGCTAATTGAACAGCTGTTTGAGGACCTTTCGGACA[C>T]ACCAAACAACCATTTTACTTTAGAAGATATACAGGCCCTAAAAAGGCAGTATGAGCTTTA-3'
Protein context (NP_003105.2, residues 897-917): IEQLFEDLSD[Thr907Ile]PNNHFTLEDI

ClinVar aggregate classification (germline): Uncertain significance (1 of 4 stars; one submission).

Conditions:
Primary ciliary dyskinesia 28. Also called: CILIARY DYSKINESIA, PRIMARY, 28, WITH OR WITHOUT SITUS INVERSUS. Identifiers: Orphanet 244, MedGen C3809706, MONDO:0014216, OMIM 615505.

gnomAD v4.1: 3 of 1,612,572 alleles (0.00019%); highest among the groups gnomAD compares: Middle Eastern, 0.017%; no homozygotes.

Submission:

Labcorp Genetics (formerly Invitae), Labcorp
Classification: Uncertain significance for Primary ciliary dyskinesia 28. Last evaluated: 2025-01-02. Review status: criteria provided, single submitter. Criteria: Invitae Variant Classification Sherloc (09022015). Collection method: clinical testing. Allele origin: germline.
Comment: This sequence change replaces threonine, which is neutral and polar, with isoleucine, which is neutral and non-polar, at codon 907 of the SPAG1 protein (p.Thr907Ile). This variant is not present in population databases (gnomAD no frequency). This variant has not been reported in the literature in individuals affected with SPAG1-related conditions. Invitae Evidence Modeling of protein sequence and biophysical properties (such as structural, functional, and spatial information, amino acid conservation, physicochemical variation, residue mobility, and thermodynamic stability) indicates that this missense variant is not expected to disrupt SPAG1 protein function with a negative predictive value of 80%. In summary, the available evidence is currently insufficient to determine the role of this variant in disease. Therefore, it has been classified as a Variant of Uncertain Significance.